The following is an entry in ClinVar:

NM_032776.3(JMJD1C):c.5210T>C (p.Ile1737Thr)

Gene: JMJD1C (jumonji domain containing 1C; minus strand). Cytogenetic location: 10q21.3.
Variant type: single nucleotide variant.
Coding change: c.5210T>C on transcript NM_032776.3 (MANE Select); coding-DNA position 5210, T replaced by C.
Protein change: p.Ile1737Thr; replaces isoleucine 1737 with threonine.
Molecular consequence: missense variant.
Genome position (GRCh38, 1-based): chr10:63,200,542, A>G on the plus strand (T>C on the coding strand, the complement: JMJD1C is on the minus strand). VCF-style: chr10-63200542-A-G. GRCh37 (hg19) VCF-style: chr10-64960302-A-G.
Other names: c.4664T>C, p.Ile1555Thr (NM_001282948.2, NM_001318154.2); c.4346T>C, p.Ile1449Thr (NM_001318153.2); c.5096T>C, p.Ile1699Thr (NM_001322252.2); c.4553T>C, p.Ile1518Thr (NM_001322254.2, NM_001322258.2); short protein forms I1449T, I1518T, I1555T, I1699T, I1737T.
Identifiers: ClinVar variation 2631578 (VCV002631578.2), dbSNP rs1845900106, ClinGen allele CA377032991.

ClinVar aggregate classification (germline): Uncertain significance. Review status: criteria provided, multiple submitters, no conflicts (2 of 4 stars). 2 submissions from 2 submitters: Uncertain significance (2). Last evaluated 2024-10-10.

Conditions:
JMJD1C-related disorder. Also called: JMJD1C-related condition.
Neurodevelopmental disorder. Identifiers: MedGen C1535926, MeSH D065886, MONDO:0700092.

Allele frequency attached by ClinVar (database versions not stated): gnomAD exomes below 0.00001; TOPMed below 0.00001.
gnomAD v4.1: 1 of 1,614,020 alleles (0.000062%); highest among the groups gnomAD compares: Non-Finnish European, 0.000085%; no homozygotes.

Submissions (2):

Victorian Clinical Genetics Services, Murdoch Childrens Research Institute
Classification: Uncertain significance for Neurodevelopmental disorder. Last evaluated: 2024-10-10. Review status: criteria provided, single submitter. Criteria: ACMG Guidelines, 2015. Collection method: clinical testing. Allele origin: germline. Inheritance: Autosomal dominant inheritance. Affected: yes.
Comment: Based on the classification scheme VCGS_Germline_v1.3.5, this variant is classified as VUS-3C. Following criteria are met: 0102 - Loss of function is a known mechanism of disease in this gene and is associated with neurodevelopmental disorder (MONDO:0700092), JMJD1C-related (PMIDs: 26181491, 31954878). (I) 0107 - This gene is associated with autosomal dominant disease. (I) 0200 - Variant is predicted to result in a missense amino acid change from isoleucine to threonine. (I) 0251 - This variant is heterozygous. (I) 0302 - Variant is present in gnomAD (v4) <0.001 for a dominant condition (1 heterozygote, 0 homozygotes). (SP) 0309 - An alternative amino acid change at the same position has been observed in gnomAD (v4; 3 heterozygotes, 0 homozygotes). (I) 0502 - Missense variant with conflicting in silico predictions and low conservation. (I) 0603 - Missense variant in a region that is highly intolerant to missense variation (high constraint region in DECIPHER). (SP) 0710 - Another missense variant comparable to the one identified in this case has inconclusive previous evidence for pathogenicity. p.(Ile1737Leu) has been classified as a VUS by a clinical laboratory in ClinVar. (I) 0809 - Previous evidence of pathogenicity for this variant is inconclusive. This variant has been classified as a VUS by a clinical laboratory in ClinVar. (I) 0905 - No published segregation evidence has been identified for this variant. (I) 1007 - No published functional evidence has been identified for this variant. (I) 1207 - Parental origin of the variant is unresolved. (I) Legend: (SP) - Supporting pathogenic, (I) - Information, (SB) - Supporting benign

PreventionGenetics, part of Exact Sciences
Classification: Uncertain significance for JMJD1C-related condition. Last evaluated: 2023-08-09. Review status: criteria provided, single submitter. Criteria: ACMG Guidelines, 2015. Collection method: clinical testing. Allele origin: germline.
Comment: The JMJD1C c.5210T>C variant is predicted to result in the amino acid substitution p.Ile1737Thr. To our knowledge, this variant has not been reported in the literature or in a large population database, indicating this variant is rare. At this time, the clinical significance of this variant is uncertain due to the absence of conclusive functional and genetic evidence.

Literature cited by the submitters: PubMed 26181491 (cited by Victorian Clinical Genetics Services, Murdoch Childrens Research Institute); PubMed 31954878 (cited by Victorian Clinical Genetics Services, Murdoch Childrens Research Institute).